The following is an entry in ClinVar:

NM_017882.3(CLN6):c.144dup (p.Phe49fs)

Gene: CLN6 (CLN6 transmembrane ER protein; minus strand). Cytogenetic location: 15q23.
Variant type: Duplication.
Coding change: c.144dup on transcript NM_017882.3 (MANE Select); coding-DNA position 144, one base duplicated (G; older notation c.144dupG).
Protein change: p.Phe49fs; shifts the reading frame from phenylalanine 49.
Molecular consequence: frameshift variant.
Genome position (GRCh38, 1-based): chr15:68,218,590, C duplicated on the plus strand (G on the coding strand, the reverse complement: CLN6 is on the minus strand); the first of 2 consecutive C bases (chr15:68,218,590-68,218,591); duplicating either gives the same sequence. VCF-style (leftmost placement, unchanged base first): chr15-68218589-A-AC. GRCh37 (hg19) VCF-style: chr15-68510927-A-AC.
Other names: c.240dup, p.Phe81fs (NM_001411068.1); short protein forms F49fs, F81fs.
Identifiers: ClinVar variation 5013622 (VCV005013622.1).

ClinVar aggregate classification (germline): Pathogenic (1 of 4 stars; one submission).

Conditions:
Neuronal ceroid lipofuscinosis. Also called: Neuronal Ceroid Lipofuscinoses. Identifiers: Orphanet 216, Orphanet 79263, MedGen C0027877, MONDO:0016295. Disease mechanism: loss of function.

Submission:

Myriad Genetics, Inc.
Classification: Pathogenic for Neuronal ceroid lipofuscinosis. Last evaluated: 2024-10-06. Review status: criteria provided, single submitter. Criteria: Myriad Autosomal Dominant, Autosomal Recessive and X-Linked Classification Criteria (2023). Collection method: clinical testing. Allele origin: unknown.
Comment: NM_017882.2(CLN6):c.144dupG(F49Vfs*83) is expected to be pathogenic in the context of neuronal ceroid lipofuscinosis, CLN6-related. This variant is predicted to lead to an abnormal or absent protein product due to the creation of a premature termination codon in CLN6, a gene where loss-of-function variants are known to be pathogenic. Please note: this variant was assessed in the context of healthy population screening.